The following is an entry in ClinVar:

ClinVar aggregate classification (germline): Likely benign. Review status: criteria provided, multiple submitters, no conflicts (2 of 4 stars). 2 submissions from 2 submitters: Likely benign (2). Last evaluated 2025-01-01.

Allele frequency attached by ClinVar (database versions not stated): ExAC 0.00006; TOPMed 0.00006; gnomAD 0.00007; ESP Exome Variant Server 0.00008; gnomAD exomes 0.00009; 1000 Genomes Project 0.00020; 1000 Genomes Project 30x 0.00031.

Submissions (2):

Labcorp Genetics (formerly Invitae), Labcorp
Classification: Likely benign. Last evaluated: 2025-01-01. Review status: criteria provided, single submitter. Criteria: Invitae Variant Classification Sherloc (09022015). Collection method: clinical testing. Allele origin: germline.

CeGaT Center for Human Genetics Tuebingen
Classification: Likely benign. Last evaluated: 2023-09-01. Review status: criteria provided, single submitter. Criteria: CeGaT Center For Human Genetics Tuebingen Variant Classification Criteria Version 2. Collection method: clinical testing. Allele origin: germline. Affected: yes. Observed: 1 variant allele.
Comment: TRMT5: BP4, BP7

NM_020810.3(TRMT5):c.1500C>T (p.Asp500=)

Gene: TRMT5 (tRNA methyltransferase 5; minus strand). Cytogenetic location: 14q23.1.
Variant type: single nucleotide variant.
Coding change: c.1500C>T on transcript NM_020810.3 (MANE Select); coding-DNA position 1500, C replaced by T.
Protein change: p.Asp500=; no amino-acid change (aspartic acid 500 retained).
Molecular consequence: synonymous variant.
Genome position (GRCh38, 1-based): chr14:60,975,139, G>A on the plus strand (C>T on the coding strand, the complement: TRMT5 is on the minus strand). VCF-style: chr14-60975139-G-A. GRCh37 (hg19) VCF-style: chr14-61441857-G-A.
Other names: c.1584C>T, p.Asp528= (NM_001350253.1); c.1581C>T, p.Asp527= (NM_001350254.1).
Identifiers: ClinVar variation 2174484 (VCV002174484.28), dbSNP rs189798485, ClinGen allele CA7213704.
Genomic context (GRCh38, chr14:60,975,139, plus strand): 5'-CTGGTAGGGAGATGGAGAAAACATTTCCAATTAAGTGTTTGAAACAATTTGTGTTTTTTC[G>A]TCTGAAAAGGCTTCAGCCGTCCTCTGCCTTTTAAGAGGTGGATCTTCATGATTCTCTGTA-3'
Protein context (NP_065861.3, residues 490-509): KRQRTAEAFS[Asp500=]EKTQIVSNT